The following is an entry in ClinVar:

NM_025179.4(PLXNA2):c.1392C>G (p.Pro464=)

Gene: PLXNA2 (plexin A2; minus strand). Cytogenetic location: 1q32.2.
Variant type: single nucleotide variant.
Coding change: c.1392C>G on transcript NM_025179.4 (MANE Select); coding-DNA position 1392, C replaced by G.
Protein change: p.Pro464=; no amino-acid change (proline 464 retained).
Molecular consequence: synonymous variant.
Genome position (GRCh38, 1-based): chr1:208,142,443, G>C on the plus strand (C>G on the coding strand, the complement: PLXNA2 is on the minus strand). VCF-style: chr1-208142443-G-C. GRCh37 (hg19) VCF-style: chr1-208315788-G-C.
Other names: c.1392C>G (NM_025179.3).
Identifiers: ClinVar variation 1661521 (VCV001661521.10), dbSNP rs201332379, ClinGen allele CA1373862.

ClinVar aggregate classification (germline): Likely benign. Review status: criteria provided, single submitter (1 of 4 stars). 2 submissions from 2 submitters: Likely benign (1). 1 of the submissions does not count toward it. Last evaluated 2025-10-22.

Conditions:
PLXNA2-related disorder. Also called: PLXNA2-related condition.

Allele frequency attached by ClinVar (database versions not stated): gnomAD exomes 0.00013; ExAC 0.00017; ESP Exome Variant Server 0.00023.

Submissions (2):

Labcorp Genetics (formerly Invitae), Labcorp
Classification: Likely benign. Last evaluated: 2025-10-22. Review status: criteria provided, single submitter. Criteria: Invitae Variant Classification Sherloc (09022015). Collection method: clinical testing. Allele origin: germline.

PreventionGenetics, part of Exact Sciences
Classification: Likely benign for PLXNA2-related condition. Last evaluated: 2021-10-20. Review status: no assertion criteria provided. Collection method: clinical testing. Allele origin: germline. Not counted in ClinVar's aggregate classification.
Comment: This variant is classified as likely benign based on ACMG/AMP sequence variant interpretation guidelines (Richards et al. 2015 PMID: 25741868, with internal and published modifications).